The following is an entry in ClinVar:

ClinVar aggregate classification (germline): Uncertain significance (1 of 4 stars; one submission).

Conditions:
Early Myoclonic Encephalopathy. Identifiers: MedGen C0270855.

Allele frequency attached by ClinVar (database versions not stated): gnomAD exomes 0.00001; ExAC 0.00002; TOPMed 0.00002.
gnomAD v4.1: 17 of 1,614,140 alleles (0.0011%); highest among the groups gnomAD compares: Middle Eastern, 0.066%; no homozygotes.

Submission:

Labcorp Genetics (formerly Invitae), Labcorp
Classification: Uncertain significance for Early Myoclonic Encephalopathy. Last evaluated: 2025-10-16. Review status: criteria provided, single submitter. Criteria: Invitae Variant Classification Sherloc (09022015). Collection method: clinical testing. Allele origin: germline.
Comment: This sequence change replaces leucine, which is neutral and non-polar, with proline, which is neutral and non-polar, at codon 1512 of the JMJD1C protein (p.Leu1512Pro). This variant is present in population databases (rs760661716, gnomAD 0.003%). This variant has not been reported in the literature in individuals affected with JMJD1C-related conditions. ClinVar contains an entry for this variant (Variation ID: 2908709). Invitae Evidence Modeling of protein sequence and biophysical properties (such as structural, functional, and spatial information, amino acid conservation, physicochemical variation, residue mobility, and thermodynamic stability) indicates that this missense variant is not expected to disrupt JMJD1C protein function with a negative predictive value of 80%. In summary, the available evidence is currently insufficient to determine the role of this variant in disease. Therefore, it has been classified as a Variant of Uncertain Significance.

NM_032776.3(JMJD1C):c.4535T>C (p.Leu1512Pro)

Gene: JMJD1C (jumonji domain containing 1C; minus strand). Cytogenetic location: 10q21.3.
Variant type: single nucleotide variant.
Coding change: c.4535T>C on transcript NM_032776.3 (MANE Select); coding-DNA position 4535, T replaced by C.
Protein change: p.Leu1512Pro; replaces leucine 1512 with proline.
Molecular consequence: missense variant. On other transcripts: non-coding transcript variant (1).
Genome position (GRCh38, 1-based): chr10:63,207,134, A>G on the plus strand (T>C on the coding strand, the complement: JMJD1C is on the minus strand). VCF-style: chr10-63207134-A-G. GRCh37 (hg19) VCF-style: chr10-64966894-A-G.
Other names: c.3989T>C, p.Leu1330Pro (NM_001282948.2, NM_001318154.2); c.3671T>C, p.Leu1224Pro (NM_001318153.2); c.4421T>C, p.Leu1474Pro (NM_001322252.2); c.3878T>C, p.Leu1293Pro (NM_001322254.2, NM_001322258.2); short protein forms L1293P, L1330P, L1474P, L1224P, L1512P.
Identifiers: ClinVar variation 2908709 (VCV002908709.3), dbSNP rs760661716, ClinGen allele CA5518252.